The following is an entry in ClinVar:

NM_005419.4(STAT2):c.1257G>C (p.Lys419Asn)

Gene: STAT2 (signal transducer and activator of transcription 2; minus strand). Cytogenetic location: 12q13.3.
Variant type: single nucleotide variant.
Coding change: c.1257G>C on transcript NM_005419.4 (MANE Select); coding-DNA position 1257, G replaced by C.
Protein change: p.Lys419Asn; replaces lysine 419 with asparagine.
Molecular consequence: missense variant.
Genome position (GRCh38, 1-based): chr12:56,349,589, C>G on the plus strand (G>C on the coding strand, the complement: STAT2 is on the minus strand). VCF-style: chr12-56349589-C-G. GRCh37 (hg19) VCF-style: chr12-56743373-C-G.
Other names: c.1224G>C, p.Lys408Asn (NM_001385110.1); c.1257G>C, p.Lys419Asn (NM_001385111.1, NM_001385113.1); c.1236G>C, p.Lys412Asn (NM_001385114.1); c.1245G>C, p.Lys415Asn (NM_001385115.1, NM_198332.2); short protein forms K408N, K415N, K419N, K412N.
Identifiers: ClinVar variation 2010251 (VCV002010251.4), dbSNP rs2547251886, ClinGen allele CA385261428.

ClinVar aggregate classification (germline): Uncertain significance (1 of 4 stars; one submission).

Conditions:
Primary immunodeficiency with post-measles-mumps-rubella vaccine viral infection. Also called: Immunodeficiency 44. Identifiers: Orphanet 431166, MedGen C4225260, MONDO:0014715, OMIM 616636.

Submission:

Labcorp Genetics (formerly Invitae), Labcorp
Classification: Uncertain significance for Primary immunodeficiency with post-measles-mumps-rubella vaccine viral infection. Last evaluated: 2022-06-24. Review status: criteria provided, single submitter. Criteria: Invitae Variant Classification Sherloc (09022015). Collection method: clinical testing. Allele origin: germline.
Comment: In summary, the available evidence is currently insufficient to determine the role of this variant in disease. Therefore, it has been classified as a Variant of Uncertain Significance. Variants that disrupt the consensus splice site are a relatively common cause of aberrant splicing (PMID: 17576681, 9536098). Algorithms developed to predict the effect of sequence changes on RNA splicing suggest that this variant may disrupt the consensus splice site. Algorithms developed to predict the effect of missense changes on protein structure and function are either unavailable or do not agree on the potential impact of this missense change (SIFT: "Tolerated"; PolyPhen-2: "Possibly Damaging"; Align-GVGD: "Class C0"). This variant has not been reported in the literature in individuals affected with STAT2-related conditions. This variant is not present in population databases (gnomAD no frequency). This sequence change replaces lysine, which is basic and polar, with asparagine, which is neutral and polar, at codon 419 of the STAT2 protein (p.Lys419Asn). This variant also falls at the last nucleotide of exon 14, which is part of the consensus splice site for this exon.

Literature cited by the submitters: PubMed 17576681; PubMed 9536098.